The following is an entry in ClinVar:

ClinVar aggregate classification (germline): Uncertain significance. Review status: criteria provided, multiple submitters, no conflicts (2 of 4 stars). 5 submissions from 5 submitters: Uncertain significance (4). 1 of the submissions does not count toward it. Last evaluated 2024-05-23.

Conditions:
Inborn genetic diseases. Identifiers: MedGen C0950123, MeSH D030342.
Cohen syndrome (COH1). Also called: PEPPER SYNDROME; Cutis verticis gyrata, retinitis pigmentosa, and sensorineural deafness. Identifiers: Orphanet 193, MedGen C0265223, MONDO:0008999, OMIM 216550.
VPS13B-related disorder. Also called: VPS13B-related condition.

Allele frequency attached by ClinVar (database versions not stated): gnomAD exomes below 0.00001 and 0.00001; gnomAD 0.00001 and 0.00003; TOPMed 0.00003.
gnomAD v4.1: 5 of 1,613,916 alleles (0.00031%); highest among the groups gnomAD compares: Admixed American, 0.005%; no homozygotes.

Submissions (5):

Labcorp Genetics (formerly Invitae), Labcorp
Classification: Uncertain significance for Cohen syndrome. Last evaluated: 2024-05-23. Review status: criteria provided, single submitter. Criteria: Invitae Variant Classification Sherloc (09022015). Collection method: clinical testing. Allele origin: germline.
Comment: This sequence change replaces leucine, which is neutral and non-polar, with phenylalanine, which is neutral and non-polar, at codon 2771 of the VPS13B protein (p.Leu2771Phe). This variant is present in population databases (no rsID available, gnomAD 0.01%). This variant has not been reported in the literature in individuals affected with VPS13B-related conditions. ClinVar contains an entry for this variant (Variation ID: 1029660). Advanced modeling of protein sequence and biophysical properties (such as structural, functional, and spatial information, amino acid conservation, physicochemical variation, residue mobility, and thermodynamic stability) performed at Invitae indicates that this missense variant is expected to disrupt VPS13B protein function with a positive predictive value of 80%. In summary, the available evidence is currently insufficient to determine the role of this variant in disease. Therefore, it has been classified as a Variant of Uncertain Significance.

Ambry Genetics
Classification: Uncertain significance for Inborn genetic diseases. Last evaluated: 2024-04-20. Review status: criteria provided, single submitter. Criteria: Ambry Variant Classification Scheme 2023. Collection method: clinical testing. Allele origin: germline.

New York Genome Center
Classification: Uncertain significance for Cohen syndrome. Last evaluated: 2021-08-25. Review status: criteria provided, single submitter. Criteria: NYGC Assertion Criteria 2020. Collection method: clinical testing. Allele origin: inherited. Observed: 1 heterozygote. Study: CSER-NYCKidSeq.

Baylor Genetics
Classification: Uncertain significance for Cohen syndrome. Last evaluated: 2019-06-05. Review status: criteria provided, single submitter. Criteria: ACMG Guidelines, 2015. Collection method: clinical testing. Allele origin: unknown. Affected: yes.
Comment: This variant was determined to be of uncertain significance according to ACMG Guidelines, 2015 [PMID:25741868].

PreventionGenetics, part of Exact Sciences
Classification: Uncertain significance for VPS13B-related condition. Last evaluated: 2024-04-16. Review status: no assertion criteria provided. Collection method: clinical testing. Allele origin: germline. Not counted in ClinVar's aggregate classification.
Comment: The VPS13B c.8238G>C variant is predicted to result in the amino acid substitution p.Leu2746Phe. To our knowledge, this variant has not been reported in the literature. This variant is reported in 0.012% of alleles in individuals of African descent in gnomAD. At this time, the clinical significance of this variant is uncertain due to the absence of conclusive functional and genetic evidence.

NM_152564.5(VPS13B):c.8238G>C (p.Leu2746Phe)

Gene: VPS13B (vacuolar protein sorting 13 homolog B; plus strand). Cytogenetic location: 8q22.2.
Variant type: single nucleotide variant.
Coding change: c.8238G>C on transcript NM_152564.5 (MANE Select); coding-DNA position 8238, G replaced by C.
Protein change: p.Leu2746Phe; replaces leucine 2746 with phenylalanine.
Molecular consequence: missense variant.
Genome position (GRCh38, 1-based): chr8:99,817,680, G>C. VCF-style: chr8-99817680-G-C. GRCh37 (hg19) VCF-style: chr8-100829908-G-C.
Other names: c.8313G>C, p.Leu2771Phe (NM_017890.5); short protein forms L2746F, L2771F.
Identifiers: ClinVar variation 1029660 (VCV001029660.11), dbSNP rs1016035749, ClinGen allele CA182327297.
Genomic context (GRCh38, chr8:99,817,680, plus strand): 5'-TCAAGATGGACAAGCTGTAGTTCGGGAACATTTTGACTGCCTCACAGCCAAACAGAAATT[G>C]CCTTCGTACATACTAGAAAACAATGAACTGACGGAGCTGTGTGTGAAGGCCAAAGGAGAT-3'
Protein context (NP_689777.3, residues 2736-2756): HFDCLTAKQK[Leu2746Phe]PSYILENNEL